The following is an entry in ClinVar:

NM_173653.4(SLC9A9):c.1719A>G (p.Leu573=)

Gene: SLC9A9 (solute carrier family 9 member A9; minus strand). Cytogenetic location: 3q24.
Variant type: single nucleotide variant.
Coding change: c.1719A>G on transcript NM_173653.4 (MANE Select); coding-DNA position 1719, A replaced by G.
Protein change: p.Leu573=; no amino-acid change (leucine 573 retained).
Molecular consequence: synonymous variant.
Genome position (GRCh38, 1-based): chr3:143,266,921, T>C on the plus strand (A>G on the coding strand, the complement: SLC9A9 is on the minus strand). VCF-style: chr3-143266921-T-C. GRCh37 (hg19) VCF-style: chr3-142985763-T-C.
Other names: c.1719A>G (NM_173653.3).
Identifiers: ClinVar variation 2672962 (VCV002672962.24), dbSNP rs747297478, ClinGen allele CA2653687.
Genomic context (GRCh38, chr3:143,266,921, plus strand): 5'-CTCCTGGTAATTTATGGCTAGTTCATCCTGGTTTACAATGCATTCCACATCATCCTCTTT[T>C]AGCTGTTCCTGGTTGGGAAAAGAGAGAGAGGTGTCACTTCATGATGAAGGCAGAAAACAA-3'
Protein context (NP_775924.1, residues 563-583): LTSPQAYGEQ[Leu573=]KEDDVECIVN

ClinVar aggregate classification (germline): Likely benign. Review status: criteria provided, single submitter (1 of 4 stars). 2 submissions from 2 submitters: Likely benign (1). 1 of the submissions does not count toward it. Last evaluated 2023-11-01.

Conditions:
SLC9A9-related disorder. Also called: SLC9A9-related condition.

Allele frequency attached by ClinVar (database versions not stated): gnomAD 0.00008; TOPMed 0.00010; gnomAD exomes 0.00012; ExAC 0.00014.
gnomAD v4.1: 192 of 1,613,880 alleles (0.012%); highest among the groups gnomAD compares: Non-Finnish European, 0.015%; no homozygotes.

Submissions (2):

CeGaT Center for Human Genetics Tuebingen
Classification: Likely benign. Last evaluated: 2023-11-01. Review status: criteria provided, single submitter. Criteria: CeGaT Center For Human Genetics Tuebingen Variant Classification Criteria Version 2. Collection method: clinical testing. Allele origin: germline. Affected: yes. Observed: 1 variant allele.
Comment: SLC9A9: BP4, BP7

PreventionGenetics, part of Exact Sciences
Classification: Likely benign for SLC9A9-related condition. Last evaluated: 2019-06-11. Review status: no assertion criteria provided. Collection method: clinical testing. Allele origin: germline. Not counted in ClinVar's aggregate classification.
Comment: This variant is classified as likely benign based on ACMG/AMP sequence variant interpretation guidelines (Richards et al. 2015 PMID: 25741868, with internal and published modifications).